The following is an entry in ClinVar:

NM_015512.5(DNAH1):c.1019G>C (p.Gly340Ala)

Gene: DNAH1 (dynein axonemal heavy chain 1; plus strand). Cytogenetic location: 3p21.1.
Variant type: single nucleotide variant.
Coding change: c.1019G>C on transcript NM_015512.5 (MANE Select); coding-DNA position 1019, G replaced by C.
Protein change: p.Gly340Ala; replaces glycine 340 with alanine.
Molecular consequence: missense variant.
Genome position (GRCh38, 1-based): chr3:52,331,295, G>C. VCF-style: chr3-52331295-G-C. GRCh37 (hg19) VCF-style: chr3-52365311-G-C.
Other names: short protein forms G340A.
Identifiers: ClinVar variation 1416488 (VCV001416488.6), dbSNP rs963552743, ClinGen allele CA74733059.

ClinVar aggregate classification (germline): Uncertain significance (1 of 4 stars; one submission).

Conditions:
Ciliary dyskinesia, primary, 37 (CILD37). Also called: CILIARY DYSKINESIA, PRIMARY, 37, WITH OR WITHOUT SITUS INVERSUS. Identifiers: MedGen C4539798, MONDO:0033204, OMIM 617577.
Spermatogenic failure 18. Identifiers: MedGen C4539783, MONDO:0054615, OMIM 617576.

Allele frequency attached by ClinVar (database versions not stated): gnomAD exomes below 0.00001 and 0.00001; gnomAD 0.00001 and 0.00002; TOPMed 0.00001.
gnomAD v4.1: 16 of 1,607,500 alleles (0.001%); highest among the groups gnomAD compares: Non-Finnish European, 0.0014%; no homozygotes.

Submission:

Labcorp Genetics (formerly Invitae), Labcorp
Classification: Uncertain significance for Ciliary dyskinesia, primary, 37; Spermatogenic failure 18. Last evaluated: 2022-07-25. Review status: criteria provided, single submitter. Criteria: Invitae Variant Classification Sherloc (09022015). Collection method: clinical testing. Allele origin: germline.
Comment: This variant is present in population databases (no rsID available, gnomAD 0.002%). In summary, the available evidence is currently insufficient to determine the role of this variant in disease. Therefore, it has been classified as a Variant of Uncertain Significance. Algorithms developed to predict the effect of missense changes on protein structure and function are either unavailable or do not agree on the potential impact of this missense change (SIFT: "Deleterious"; PolyPhen-2: "Benign"; Align-GVGD: "Class C0"). ClinVar contains an entry for this variant (Variation ID: 1416488). This variant has not been reported in the literature in individuals affected with DNAH1-related conditions. This sequence change replaces glycine, which is neutral and non-polar, with alanine, which is neutral and non-polar, at codon 340 of the DNAH1 protein (p.Gly340Ala).